The following is an entry in ClinVar:

ClinVar aggregate classification (germline): Uncertain significance. Review status: criteria provided, multiple submitters, no conflicts (2 of 4 stars). 2 submissions from 2 submitters: Uncertain significance (2). Last evaluated 2022-11-10.

Allele frequency attached by ClinVar (database versions not stated): ExAC 0.00001; gnomAD 0.00001; TOPMed 0.00001.
gnomAD v4.1: 5 of 1,614,126 alleles (0.00031%); highest among the groups gnomAD compares: Admixed American, 0.0017%; no homozygotes.

Submissions (2):

Labcorp Genetics (formerly Invitae), Labcorp
Classification: Uncertain significance. Last evaluated: 2022-11-10. Review status: criteria provided, single submitter. Criteria: Invitae Variant Classification Sherloc (09022015). Collection method: clinical testing. Allele origin: germline.
Comment: This sequence change replaces cysteine, which is neutral and slightly polar, with tryptophan, which is neutral and slightly polar, at codon 730 of the IMPG1 protein (p.Cys730Trp). This variant is present in population databases (rs753995954, gnomAD 0.003%). This variant has not been reported in the literature in individuals affected with IMPG1-related conditions. ClinVar contains an entry for this variant (Variation ID: 1704196). Algorithms developed to predict the effect of missense changes on protein structure and function are either unavailable or do not agree on the potential impact of this missense change (SIFT: "Deleterious"; PolyPhen-2: "Probably Damaging"; Align-GVGD: "Class C15"). In summary, the available evidence is currently insufficient to determine the role of this variant in disease. Therefore, it has been classified as a Variant of Uncertain Significance.

GeneDx
Classification: Uncertain significance. Last evaluated: 2022-02-22. Review status: criteria provided, single submitter. Criteria: GeneDx Variant Classification Process June 2021. Collection method: clinical testing. Allele origin: germline. Affected: yes.
Comment: Not observed at significant frequency in large population cohorts (gnomAD); In silico analysis supports that this missense variant has a deleterious effect on protein structure/function; Has not been previously published as pathogenic or benign to our knowledge

NM_001563.4(IMPG1):c.2190T>G (p.Cys730Trp)

Gene: IMPG1 (interphotoreceptor matrix proteoglycan 1; minus strand). Cytogenetic location: 6q14.1.
Variant type: single nucleotide variant.
Coding change: c.2190T>G on transcript NM_001563.4 (MANE Select); coding-DNA position 2190, T replaced by G.
Protein change: p.Cys730Trp; replaces cysteine 730 with tryptophan.
Molecular consequence: missense variant.
Genome position (GRCh38, 1-based): chr6:75,931,006, A>C on the plus strand (T>G on the coding strand, the complement: IMPG1 is on the minus strand). VCF-style: chr6-75931006-A-C. GRCh37 (hg19) VCF-style: chr6-76640723-A-C.
Other names: c.1956T>G, p.Cys652Trp (NM_001282368.2); short protein forms C652W, C730W.
Identifiers: ClinVar variation 1704196 (VCV001704196.5), dbSNP rs753995954, ClinGen allele CA3897906.